The following is an entry in ClinVar:

ClinVar aggregate classification (germline): Likely benign (0 of 4 stars; one submission).

Conditions:
KSR2-related disorder. Also called: KSR2-related condition.

Allele frequency attached by ClinVar (database versions not stated): gnomAD exomes below 0.00001; ExAC 0.00003; gnomAD 0.00003; TOPMed 0.00003; ESP Exome Variant Server 0.00016.
gnomAD v4.1: 6 of 733,112 alleles (0.00082%); highest among the groups gnomAD compares: African/African-American, 0.0089%; no homozygotes.

Submission:

PreventionGenetics, part of Exact Sciences
Classification: Likely benign for KSR2-related condition. Last evaluated: 2023-10-04. Review status: no assertion criteria provided. Collection method: clinical testing. Allele origin: germline.
Comment: This variant is classified as likely benign based on ACMG/AMP sequence variant interpretation guidelines (Richards et al. 2015 PMID: 25741868, with internal and published modifications).

NM_173598.6(KSR2):c.2847-8C>T

Gene: KSR2 (kinase suppressor of ras 2; minus strand). Cytogenetic location: 12q24.22.
Variant type: single nucleotide variant.
Coding change: c.2847-8C>T on transcript NM_173598.6 (MANE Select); 8 bases into the intron before coding-DNA position 2847, C replaced by T.
Molecular consequence: intron variant.
Genome position (GRCh38, 1-based): chr12:117,467,213, G>A on the plus strand (C>T on the coding strand, the complement: KSR2 is on the minus strand). VCF-style: chr12-117467213-G-A. GRCh37 (hg19) VCF-style: chr12-117905018-G-A.
Identifiers: ClinVar variation 3030694 (VCV003030694.2), dbSNP rs370615492, ClinGen allele CA6815579.